The following is an entry in ClinVar:

ClinVar aggregate classification (germline): Uncertain significance (1 of 4 stars; one submission).

Conditions:
Combined oxidative phosphorylation defect type 15. Also called: Combined oxidative phosphorylation deficiency 15. Identifiers: Orphanet 319524, MedGen C4706313, MONDO:0013987, OMIM 614947.

Allele frequency attached by ClinVar (database versions not stated): TOPMed below 0.00001.

Submission:

Baylor Genetics
Classification: Uncertain significance for Combined oxidative phosphorylation defect type 15. Last evaluated: 2020-01-17. Review status: criteria provided, single submitter. Criteria: ACMG Guidelines, 2015. Collection method: clinical testing. Allele origin: unknown. Affected: yes.
Comment: This variant was determined to be of uncertain significance according to ACMG Guidelines, 2015 [PMID:25741868].

NM_139242.4(MTFMT):c.460C>T (p.Arg154Cys)

Gene: MTFMT (mitochondrial methionyl-tRNA formyltransferase; minus strand). Cytogenetic location: 15q22.31.
Variant type: single nucleotide variant.
Coding change: c.460C>T on transcript NM_139242.4 (MANE Select); coding-DNA position 460, C replaced by T.
Protein change: p.Arg154Cys; replaces arginine 154 with cysteine.
Molecular consequence: missense variant.
Genome position (GRCh38, 1-based): chr15:65,023,754, G>A on the plus strand (C>T on the coding strand, the complement: MTFMT is on the minus strand). VCF-style: chr15-65023754-G-A. GRCh37 (hg19) VCF-style: chr15-65316092-G-A.
Other names: short protein forms R154C.
Identifiers: ClinVar variation 1027738 (VCV001027738.1), dbSNP rs760793624, ClinGen allele CA271500515.